The following is an entry in ClinVar:

NC_000001.10:g.(?_215901362)_(215901736_?)del

Gene: USH2A (usherin; minus strand). Cytogenetic location: 1q41.
Variant type: Deletion.
Identifiers: ClinVar variation 1460145 (VCV001460145.4).

ClinVar aggregate classification (germline): Pathogenic (1 of 4 stars; one submission).

Submission:

Labcorp Genetics (formerly Invitae), Labcorp
Classification: Pathogenic. Last evaluated: 2021-09-24. Review status: criteria provided, single submitter. Criteria: Invitae Variant Classification Sherloc (09022015). Collection method: clinical testing. Allele origin: germline.
Comment: For these reasons, this variant has been classified as Pathogenic. This variant has not been reported in the literature in individuals affected with USH2A-related conditions. This variant is a gross deletion of the genomic region encompassing exon(s) 61 of the USH2A gene. This deletion is out-of-frame, and is expected to create a premature translational stop signal and result in an absent or disrupted protein product. Loss-of-function variants in USH2A are known to be pathogenic (PMID: 10729113, 10909849, 20507924, 25649381).

Literature cited by the submitters: PubMed 10729113; PubMed 10909849; PubMed 20507924; PubMed 25649381.